The following is an entry in ClinVar:

ClinVar aggregate classification (germline): Uncertain significance (1 of 4 stars; one submission).

Submission:

GeneDx
Classification: Uncertain significance. Last evaluated: 2017-09-20. Review status: criteria provided, single submitter. Criteria: GeneDx Variant Classification (06012015). Collection method: clinical testing. Allele origin: germline. Affected: yes.
Comment: The D88Y variant of uncertain significance in the TNNC1 gene has not been published as pathogenic or been reported as benign to our knowledge. The D88Y variant is not observed in large population cohorts (Lek et al., 2016). The D88Y variant is a non-conservative amino acid substitution, which is likely to impact secondary protein structure as these residues differ in polarity, charge, size and/or other properties. This substitution occurs at a position where amino acids with similar properties to aspartic acid (D) are tolerated across species. In silico analysis predicts this variant is probably damaging to the protein structure/function. However, this variant lacks observation in a significant number of affected individuals, segregation data, and functional evidence, which would further clarify its pathogenicity.

NM_003280.3(TNNC1):c.262G>T (p.Asp88Tyr)

Gene: TNNC1 (troponin C1, slow skeletal and cardiac type; minus strand). Cytogenetic location: 3p21.1.
Variant type: single nucleotide variant.
Coding change: c.262G>T on transcript NM_003280.3 (MANE Select); coding-DNA position 262, G replaced by T.
Protein change: p.Asp88Tyr; replaces aspartic acid 88 with tyrosine.
Molecular consequence: missense variant.
Genome position (GRCh38, 1-based): chr3:52,451,799, C>A on the plus strand (G>T on the coding strand, the complement: TNNC1 is on the minus strand). VCF-style: chr3-52451799-C-A. GRCh37 (hg19) VCF-style: chr3-52485815-C-A.
Other names: c.262G>T (LRG_378t1); short protein forms D88Y.
Identifiers: ClinVar variation 449210 (VCV000449210.2), dbSNP rs730881058, ClinGen allele CA353167291.